The following is an entry in ClinVar:

ClinVar aggregate classification (germline): Uncertain significance (1 of 4 stars; one submission).

Conditions:
Beckwith-Wiedemann syndrome (BWS). Also called: EMG SYNDROME; Exomphalos macroglossia gigantism syndrome. Identifiers: Orphanet 116, MedGen C0004903, MONDO:0007534, OMIM 130650.

gnomAD v4.1: 1 of 1,512,180 alleles (0.000066%); highest among the groups gnomAD compares: Non-Finnish European, 0.000088%; no homozygotes.

Submission:

Labcorp Genetics (formerly Invitae), Labcorp
Classification: Uncertain significance for Beckwith-Wiedemann syndrome. Last evaluated: 2024-02-27. Review status: criteria provided, single submitter. Criteria: Invitae Variant Classification Sherloc (09022015). Collection method: clinical testing. Allele origin: germline.
Comment: This sequence change replaces serine, which is neutral and polar, with arginine, which is basic and polar, at codon 116 of the CDKN1C protein (p.Ser116Arg). This variant is not present in population databases (gnomAD no frequency). This variant has not been reported in the literature in individuals affected with CDKN1C-related conditions. ClinVar contains an entry for this variant (Variation ID: 1433305). Advanced modeling of protein sequence and biophysical properties (such as structural, functional, and spatial information, amino acid conservation, physicochemical variation, residue mobility, and thermodynamic stability) performed at Invitae indicates that this missense variant is not expected to disrupt CDKN1C protein function with a negative predictive value of 80%. In summary, the available evidence is currently insufficient to determine the role of this variant in disease. Therefore, it has been classified as a Variant of Uncertain Significance.

NM_001122630.2(CDKN1C):c.315C>A (p.Ser105Arg)

Gene: CDKN1C (cyclin dependent kinase inhibitor 1C; minus strand). Cytogenetic location: 11p15.4.
Variant type: single nucleotide variant.
Coding change: c.315C>A on transcript NM_001122630.2 (MANE Select); coding-DNA position 315, C replaced by A.
Protein change: p.Ser105Arg; replaces serine 105 with arginine.
Molecular consequence: missense variant. On other transcripts: intron variant (1).
Genome position (GRCh38, 1-based): chr11:2,885,142, G>T on the plus strand (C>A on the coding strand, the complement: CDKN1C is on the minus strand). VCF-style: chr11-2885142-G-T. GRCh37 (hg19) VCF-style: chr11-2906372-G-T.
Other names: c.348C>A, p.Ser116Arg (NM_000076.2, NM_001362474.2); c.315C>A, p.Ser105Arg (NM_001122631.2); c.255+60C>A (NM_001362475.2); short protein forms S105R, S116R.
Identifiers: ClinVar variation 1433305 (VCV001433305.6), dbSNP rs1489450203, ClinGen allele CA379146883.
Genomic context (GRCh38, chr11:2,885,142, plus strand): 5'-CAGCTGCTCCGGCGCCTCCTCGAGGCCGTCGAGGGACTCAGCGGCCGGCTCGAGGGGCGG[G>T]CTGACAGCCACCGCGACCGCGACGGGCCGCGGCGCCAGCAGCAGGCGGCAGCGCCCCACC-3'
Protein context (NP_001116102.1, residues 95-115): PRPVAVAVAV[Ser105Arg]PPLEPAAESL